The following is an entry in ClinVar:

NM_000540.3(RYR1):c.12167T>A (p.Met4056Lys)

Gene: RYR1 (ryanodine receptor 1; plus strand). Cytogenetic location: 19q13.2.
Variant type: single nucleotide variant.
Coding change: c.12167T>A on transcript NM_000540.3 (MANE Select); coding-DNA position 12167, T replaced by A.
Protein change: p.Met4056Lys; replaces methionine 4056 with lysine.
Molecular consequence: missense variant.
Genome position (GRCh38, 1-based): chr19:38,548,305, T>A. VCF-style: chr19-38548305-T-A. GRCh37 (hg19) VCF-style: chr19-39038945-T-A.
Other names: c.12152T>A, p.Met4051Lys (NM_001042723.2); short protein forms M4051K, M4056K.
Identifiers: ClinVar variation 1310999 (VCV001310999.2), dbSNP rs2145790453, ClinGen allele CA405665417.
Genomic context (GRCh38, chr19:38,548,305, plus strand): 5'-ACGGCATGATCGCCCGGCAGATGGTGGACATGCTCGTGGAATCCTCATCCAATGTGGAGA[T>A]GATCCTCAAGTTCTTCGACATGTTCCTGAAACTCAAGGACATTGTGGGCTCTGAAGCCTT-3'
Protein context (NP_000531.2, residues 4046-4066): MLVESSSNVE[Met4056Lys]ILKFFDMFLK

ClinVar aggregate classification (germline): Uncertain significance (1 of 4 stars; one submission).

Submission:

GeneDx
Classification: Uncertain significance. Last evaluated: 2020-03-08. Review status: criteria provided, single submitter. Criteria: GeneDx Variant Classification Process June 2021. Collection method: clinical testing. Allele origin: germline. Affected: yes.
Comment: Not observed in large population cohorts (Lek et al., 2016); In silico analysis supports that this missense variant has a deleterious effect on protein structure/function; Has not been previously published as pathogenic or benign to our knowledge